The following is an entry in ClinVar:

NM_000362.5(TIMP3):c.*3G>A

Genes: SYN3 (synapsin III; minus strand), TIMP3 (TIMP metallopeptidase inhibitor 3; plus strand). Cytogenetic location: 22q12.3.
Variant type: single nucleotide variant.
Coding change: c.*3G>A on transcript NM_000362.5 (MANE Select); 3 bases downstream of the stop codon, G replaced by A.
Molecular consequence: 3 prime UTR variant. On other transcripts: intron variant (7).
Genome position (GRCh38, 1-based): chr22:32,859,380, G>A. VCF-style: chr22-32859380-G-A. GRCh37 (hg19) VCF-style: chr22-33255367-G-A.
Other names: c.708+5535C>T (NM_001369909.1, NM_001135774.2, NM_001369910.1); c.711+5535C>T (NM_001369907.1, NM_003490.4, NM_001369908.1 and 1 more transcripts).
Identifiers: ClinVar variation 4980677 (VCV004980677.1).

ClinVar aggregate classification (germline): Likely benign (1 of 4 stars; one submission).

Conditions:
TIMP3-related disorder. Also called: TIMP3-related condition.

gnomAD v4.1: 22 of 1,606,482 alleles (0.0014%); highest among the groups gnomAD compares: African/African-American, 0.008%; no homozygotes.

Submission:

PreventionGenetics, part of Exact Sciences
Classification: Likely benign for TIMP3-related condition. Last evaluated: 2026-05-21. Review status: criteria provided, single submitter. Criteria: ACMG Guidelines, 2015. Collection method: clinical testing. Allele origin: germline.
Comment: This variant is classified as likely benign based on ACMG/AMP sequence variant interpretation guidelines (Richards et al. 2015 PMID: 25741868, with internal and published modifications).